The following is an entry in ClinVar:

NM_015166.4(MLC1):c.423+1G>A

Gene: MLC1 (modulator of VRAC current 1; minus strand). Cytogenetic location: 22q13.33.
Variant type: single nucleotide variant.
Coding change: c.423+1G>A on transcript NM_015166.4 (MANE Select); the canonical splice donor site of the intron after coding-DNA position 423, G replaced by A.
Molecular consequence: splice donor variant. On other transcripts: intron variant (3).
Genome position (GRCh38, 1-based): chr22:50,079,917, C>T on the plus strand (G>A on the coding strand, the complement: MLC1 is on the minus strand). VCF-style: chr22-50079917-C-T. GRCh37 (hg19) VCF-style: chr22-50518346-C-T.
Other names: c.423+1G>A (NM_001376474.1, NM_001376475.1, NM_001376476.1 and 6 more transcripts); c.186+1G>A (NM_001376484.1); c.333+1G>A (NM_001376480.1); c.268-2415G>A (NM_001376482.1, NM_001376483.1); c.321+427G>A (NM_001376481.1).
Identifiers: ClinVar variation 857476 (VCV000857476.16), dbSNP rs752428321, ClinGen allele CA10303565.

ClinVar aggregate classification (germline): Pathogenic/Likely pathogenic. Review status: criteria provided, multiple submitters, no conflicts (2 of 4 stars). 7 submissions from 7 submitters: Pathogenic (6); Likely pathogenic (1). Last evaluated 2025-04-03.

Conditions:
Megalencephalic leukoencephalopathy with subcortical cysts 1 (MLC1). Also called: LEUKOENCEPHALOPATHY WITH SWELLING AND CYSTS; VACUOLATING MEGALENCEPHALIC LEUKOENCEPHALOPATHY WITH SUBCORTICAL CYSTS. Identifiers: Orphanet 2478, MedGen C5779875, MONDO:0024555, OMIM 604004.
Megalencephalic leukoencephalopathy with subcortical cysts. Also called: VAN DER KNAAP DISEASE. Identifiers: Orphanet 2478, MedGen C1858854, MONDO:0011391.

Allele frequency attached by ClinVar (database versions not stated): ExAC 0.00001; gnomAD 0.00001 and 0.00003; TOPMed 0.00001; gnomAD exomes 0.00002.
gnomAD v4.1: 20 of 1,608,192 alleles (0.0012%); highest among the groups gnomAD compares: Middle Eastern, 0.033%; no homozygotes.

Submissions (7):

Natera, Inc.
Classification: Pathogenic for Megalencephalic leukoencephalopathy with subcortical cysts. Last evaluated: 2025-04-03. Review status: criteria provided, single submitter. Criteria: Natera Variant Classification Schema (03/2026). Collection method: clinical testing. Allele origin: germline.
Comment: The c.423+1G>A variant in MLC1 is a canonical splice donor site variant predicted to affect pre-mRNA splicing, which may result in an abnormal transcript and altered protein product. This variant is expected to result in nonsense mediated decay, truncation, or a dysfunctional protein product. This variant is rare in the general population with a frequency below the threshold expected for the associated phenotype(s). This variant has been observed in one or more individuals affected with the associated recessive disease, as either homozygous or compound heterozygous with a second variant (PMID: 35440380, 33084218, 15832614, 23851226). This variant has been observed to segregate in affected family members (PMID: 35440380, 15832614). Given the available evidence, this variant is classified as Pathogenic.

Institute of Human Genetics, FAU Erlangen, Friedrich-Alexander-Universität Erlangen-Nürnberg
Classification: Pathogenic for Megalencephalic leukoencephalopathy with subcortical cysts 1. Last evaluated: 2024-03-19. Review status: criteria provided, single submitter. Criteria: Hauer et al. (Genet Med. 2018). Collection method: clinical testing. Allele origin: germline. Inheritance: Autosomal recessive inheritance. Affected: yes. Observed: 2 variant alleles.
Comment: This variant has been identified by standard clinical testing. in trans with MLC1 (NM_015166.4): c.274C>T (p.Pro92Ser)

Fulgent Genetics
Classification: Pathogenic for Megalencephalic leukoencephalopathy with subcortical cysts 1. Last evaluated: 2024-03-05. Review status: criteria provided, single submitter. Criteria: ACMG Guidelines, 2015. Collection method: clinical testing. Allele origin: germline.

Baylor Genetics
Classification: Pathogenic for Megalencephalic leukoencephalopathy with subcortical cysts 1. Last evaluated: 2024-02-27. Review status: criteria provided, single submitter. Criteria: ACMG Guidelines, 2015. Collection method: clinical testing. Allele origin: unknown.

Labcorp Genetics (formerly Invitae), Labcorp
Classification: Pathogenic. Last evaluated: 2024-01-20. Review status: criteria provided, single submitter. Criteria: Invitae Variant Classification Sherloc (09022015). Collection method: clinical testing. Allele origin: germline.
Comment: This sequence change affects a donor splice site in intron 5 of the MLC1 gene. It is expected to disrupt RNA splicing. Variants that disrupt the donor or acceptor splice site typically lead to a loss of protein function (PMID: 16199547), and loss-of-function variants in MLC1 are known to be pathogenic (PMID: 11254442, 16470554, 24824219). This variant is present in population databases (rs752428321, gnomAD 0.003%). Disruption of this splice site has been observed in individuals with clinical features of megalencephalic leukoencephalopathy with subcortical cysts (PMID: 11935341, 32056211, 33084218; Invitae). This variant is also known as IVS5+1 A. ClinVar contains an entry for this variant (Variation ID: 857476). Algorithms developed to predict the effect of sequence changes on RNA splicing suggest that this variant may disrupt the consensus splice site. For these reasons, this variant has been classified as Pathogenic.

Illumina Laboratory Services, Illumina
Classification: Pathogenic for Megalencephalic leukoencephalopathy with subcortical cysts 1. Last evaluated: 2023-10-04. Review status: criteria provided, single submitter. Criteria: ICSLVariantClassificationCriteria RUGD 01 April 2020. Collection method: clinical testing. Allele origin: unknown.
Comment: The MLC1 c.423+1G>A variant results in a substitution at the consensus splice donor site which may result in splicing defects. This variant has been reported in a homozygous state in eight individuals from six families with features consistent with megalencephalic leukoencephalopathy with subcortical cysts. It has also been observed in a compound heterozygous state in a ninth unrelated individual diagnosed with megalencephalic leukoencephalopathy with subcortical cysts (PMID: 11935341; 32056211; 33084218; 35440380). The c.423+1G>A variant is not observed at a significant frequency in version 2.1.1 or version 3.1.2 of the Genome Aggregation Database. Based on the available evidence, the c.423+1G>A variant is classified as pathogenic for megalencephalic leukoencephalopathy with subcortical cysts.

Centre for Mendelian Genomics, University Medical Centre Ljubljana
Classification: Likely pathogenic for Megalencephalic leukoencephalopathy with subcortical cysts 1. Last evaluated: 2020-03-25. Review status: criteria provided, single submitter. Criteria: ACMG Guidelines, 2015. Collection method: clinical testing. Allele origin: unknown. Affected: yes.
Comment: This variant was classified as: Likely pathogenic. The following ACMG criteria were applied in classifying this variant: PVS1,PM2.

Literature cited by the submitters: PubMed 35440380 (cited by Natera, Inc. and Illumina Laboratory Services, Illumina); PubMed 33084218 (cited by 3 submitters); PubMed 15832614 (cited by Natera, Inc.); PubMed 23851226 (cited by Natera, Inc.); PubMed 16199547 (cited by Labcorp Genetics (formerly Invitae), Labcorp); PubMed 11254442 (cited by Labcorp Genetics (formerly Invitae), Labcorp); PubMed 16470554 (cited by Labcorp Genetics (formerly Invitae), Labcorp); PubMed 24824219 (cited by Labcorp Genetics (formerly Invitae), Labcorp); PubMed 11935341 (cited by Labcorp Genetics (formerly Invitae), Labcorp and Illumina Laboratory Services, Illumina); PubMed 32056211 (cited by Labcorp Genetics (formerly Invitae), Labcorp and Illumina Laboratory Services, Illumina).